The following is an entry in ClinVar:

NM_032119.4(ADGRV1):c.2257_2258del (p.Gln753fs)

Gene: ADGRV1 (adhesion G protein-coupled receptor V1; plus strand). Cytogenetic location: 5q14.3.
Variant type: Deletion.
Coding change: c.2257_2258del on transcript NM_032119.4 (MANE Select); coding-DNA positions 2257 to 2258, 2 bases deleted (CA; older notation c.2257_2258delCA).
Protein change: p.Gln753fs; shifts the reading frame from glutamine 753.
Molecular consequence: frameshift variant. On other transcripts: non-coding transcript variant (1).
Genome position (GRCh38, 1-based): chr5:90,642,652-90,642,653, CA deleted. VCF-style (leftmost placement, unchanged base first): chr5-90642651-CCA-C. GRCh37 (hg19) VCF-style: chr5-89938468-CCA-C.
Other names: short protein forms Q753fs.
Identifiers: ClinVar variation 3341081 (VCV003341081.2).

ClinVar aggregate classification (germline): Likely pathogenic (1 of 4 stars; one submission).

Conditions:
Febrile seizures, familial, 4 (FEB4). Also called: CONVULSIONS, FAMILIAL FEBRILE, 4. Identifiers: MedGen C1858493, MONDO:0011443, OMIM 604352.

Submission:

Faculty of Engineering and Natural Sciences, Biruni University
Classification: Likely pathogenic for Febrile seizures, familial, 4. Last evaluated: 2023-03-11. Review status: criteria provided, single submitter. Criteria: ACMG Guidelines, 2015. Collection method: clinical testing. Allele origin: germline. Affected: yes. Observed: 1 variant allele.
Comment: The c.2257_2258del variant in the ADGRV1 gene has not been observed with significant frequency in large population cohorts (gnomAD)(PM2). The p.Gln753Serfs*8 likely pathogenic mutation (also known as c.2257_2258del), located in coding exon 12, results from a deletion at nucleotide position 2257-2258. As such, this alteration is interpreted as a disease-causing mutation.

Literature cited by the submitters: PubMed 16273391; PubMed 32962041; PubMed 12402266; PubMed 35813073.